The following is an entry in ClinVar:

NM_080680.3(COL11A2):c.2583+5A>G

Gene: COL11A2 (collagen type XI alpha 2 chain; minus strand). Cytogenetic location: 6p21.32.
Variant type: single nucleotide variant.
Coding change: c.2583+5A>G on transcript NM_080680.3 (MANE Select); 5 bases into the intron after coding-DNA position 2583, A replaced by G.
Molecular consequence: intron variant.
Genome position (GRCh38, 1-based): chr6:33,173,868, T>C on the plus strand (A>G on the coding strand, the complement: COL11A2 is on the minus strand). VCF-style: chr6-33173868-T-C. GRCh37 (hg19) VCF-style: chr6-33141645-T-C.
Other names: c.2262+5A>G (NM_080679.3); c.2325+5A>G (NM_080681.3).
Identifiers: ClinVar variation 2002661 (VCV002002661.4), dbSNP rs2150558337, ClinGen allele CA2580074662.

ClinVar aggregate classification (germline): Uncertain significance (1 of 4 stars; one submission).

Submission:

Labcorp Genetics (formerly Invitae), Labcorp
Classification: Uncertain significance. Last evaluated: 2022-06-07. Review status: criteria provided, single submitter. Criteria: Invitae Variant Classification Sherloc (09022015). Collection method: clinical testing. Allele origin: germline.
Comment: In summary, the available evidence is currently insufficient to determine the role of this variant in disease. Therefore, it has been classified as a Variant of Uncertain Significance. Variants that disrupt the consensus splice site are a relatively common cause of aberrant splicing (PMID: 17576681, 9536098). Algorithms developed to predict the effect of sequence changes on RNA splicing suggest that this variant is not likely to affect RNA splicing. This variant has not been reported in the literature in individuals affected with COL11A2-related conditions. This variant is not present in population databases (gnomAD no frequency). This sequence change falls in intron 34 of the COL11A2 gene. It does not directly change the encoded amino acid sequence of the COL11A2 protein. It affects a nucleotide within the consensus splice site.

Literature cited by the submitters: PubMed 17576681; PubMed 9536098.